The following is an entry in ClinVar:

ClinVar aggregate classification (germline): Pathogenic (1 of 4 stars; one submission).

Conditions:
Carnitine palmitoyltransferase II deficiency. Also called: Carnitine Palmitoyltransferase 2 Deficiency. Identifiers: Orphanet 157, MedGen C0342790, MONDO:0015515.

Submission:

Labcorp Genetics (formerly Invitae), Labcorp
Classification: Pathogenic for Carnitine palmitoyltransferase II deficiency. Last evaluated: 2020-12-03. Review status: criteria provided, single submitter. Criteria: Invitae Variant Classification Sherloc (09022015). Collection method: clinical testing. Allele origin: germline.
Comment: For these reasons, this variant has been classified as Pathogenic. This variant has not been reported in the literature in individuals with CPT2-related conditions. This variant is not present in population databases (ExAC no frequency). This sequence change creates a premature translational stop signal (p.Val175Cysfs*4) in the CPT2 gene. It is expected to result in an absent or disrupted protein product. Loss-of-function variants in CPT2 are known to be pathogenic (PMID: 16781677, 16996287).

Literature cited by the submitters: PubMed 16781677; PubMed 16996287.

NM_000098.3(CPT2):c.522del (p.Val175fs)

Gene: CPT2 (carnitine palmitoyltransferase 2; plus strand). Cytogenetic location: 1p32.3.
Variant type: Deletion.
Coding change: c.522del on transcript NM_000098.3 (MANE Select); coding-DNA position 522, one base deleted (A; older notation c.522delA).
Protein change: p.Val175fs; shifts the reading frame from valine 175.
Molecular consequence: frameshift variant.
Genome position (GRCh38, 1-based): chr1:53,210,196, A deleted; the last of 2 consecutive A bases (chr1:53,210,195-53,210,196); deleting either gives the same sequence. VCF-style (leftmost placement, unchanged base first): chr1-53210194-GA-G. GRCh37 (hg19) VCF-style: chr1-53675866-GA-G.
Other names: c.522del, p.Val175fs (NM_001330589.2); short protein forms V175fs.
Identifiers: ClinVar variation 1452037 (VCV001452037.6), dbSNP rs2100271968, ClinGen allele CA2573132422.